The following is an entry in ClinVar:

NM_000051.4(ATM):c.865A>G (p.Ile289Val)

Gene: ATM (ATM serine/threonine kinase; plus strand). Cytogenetic location: 11q22.3.
Variant type: single nucleotide variant.
Coding change: c.865A>G on transcript NM_000051.4 (MANE Select); coding-DNA position 865, A replaced by G.
Protein change: p.Ile289Val; replaces isoleucine 289 with valine.
Molecular consequence: missense variant.
Genome position (GRCh38, 1-based): chr11:108,244,990, A>G. VCF-style: chr11-108244990-A-G. GRCh37 (hg19) VCF-style: chr11-108115717-A-G.
Other names: c.865A>G, p.Ile289Val (NM_001351834.2); short protein forms I289V.
Identifiers: ClinVar variation 802728 (VCV000802728.11), dbSNP rs1555067259, ClinGen allele CA382529514.

ClinVar aggregate classification (germline): Uncertain significance. Review status: criteria provided, multiple submitters, no conflicts (2 of 4 stars). 3 submissions from 3 submitters: Uncertain significance (3). Last evaluated 2025-12-23.

Conditions:
Ataxia-telangiectasia syndrome (AT). Also called: Ataxia-telangiectasia, complementation group E; Ataxia-telangiectasia, complementation group D; Ataxia telangiectasia (A-T); LOUIS-BAR SYNDROME; ATAXIA-TELANGIECTASIA, COMPLEMENTATION GROUP A; ATAXIA-TELANGIECTASIA, FRESNO VARIANT. Identifiers: Orphanet 100, MedGen C0004135, MONDO:0008840, OMIM 208900.
Hereditary cancer-predisposing syndrome. Also called: Neoplastic Syndromes, Hereditary; Hereditary Cancer Syndrome; Tumor predisposition; Hereditary neoplastic syndrome. Identifiers: Orphanet 140162, MedGen C0027672, MeSH D009386, MONDO:0015356.

Allele frequency attached by ClinVar (database versions not stated): gnomAD exomes below 0.00001.
gnomAD v4.1: 3 of 1,611,960 alleles (0.00019%); highest among the groups gnomAD compares: Non-Finnish European, 0.00025%; no homozygotes.

Submissions (3):

Labcorp Genetics (formerly Invitae), Labcorp
Classification: Uncertain significance for Ataxia-telangiectasia syndrome. Last evaluated: 2025-12-23. Review status: criteria provided, single submitter. Criteria: Invitae Variant Classification Sherloc (09022015). Collection method: clinical testing. Allele origin: germline.
Comment: This sequence change replaces isoleucine, which is neutral and non-polar, with valine, which is neutral and non-polar, at codon 289 of the ATM protein (p.Ile289Val). This variant is not present in population databases (gnomAD no frequency). This variant has not been reported in the literature in individuals affected with ATM-related conditions. ClinVar contains an entry for this variant (Variation ID: 802728). Invitae Evidence Modeling of protein sequence and biophysical properties (such as structural, functional, and spatial information, amino acid conservation, physicochemical variation, residue mobility, and thermodynamic stability) indicates that this missense variant is not expected to disrupt ATM protein function with a negative predictive value of 95%. In summary, the available evidence is currently insufficient to determine the role of this variant in disease. Therefore, it has been classified as a Variant of Uncertain Significance.

Color Diagnostics, LLC DBA Color Health
Classification: Uncertain significance for Hereditary cancer-predisposing syndrome. Last evaluated: 2023-12-05. Review status: criteria provided, single submitter. Criteria: ACMG Guidelines, 2015. Collection method: clinical testing. Allele origin: germline.
Comment: This missense variant replaces isoleucine with valine at codon 289 of the ATM protein. Computational prediction tools and conservation analyses are inconclusive regarding the impact of this variant on the protein function. Computational splicing tools suggest that this variant may not impact RNA splicing. To our knowledge, functional assays have not been performed for this variant nor has this variant been reported in individuals affected with hereditary cancer in the literature. This variant has not been identified in the general population by the Genome Aggregation Database (gnomAD). Available evidence is insufficient to determine the role of this variant in disease conclusively. Therefore, this variant is classified as a Variant of Uncertain Significance.

Mendelics
Classification: Uncertain significance for Ataxia-telangiectasia syndrome. Last evaluated: 2019-05-28. Review status: criteria provided, single submitter. Criteria: Mendelics Assertion Criteria 2017. Collection method: clinical testing. Allele origin: unknown.